The following is an entry in ClinVar:

ClinVar aggregate classification (germline): Uncertain significance (1 of 4 stars; one submission).

Conditions:
Brugada syndrome. Also called: Sudden unexpected nocturnal death syndrome; Sudden Unexplained Death Syndrome; Sudden Unexplained Nocturnal Death Syndrome (SUNDS); Sudden unexplained nocturnal death syndrome. Identifiers: Orphanet 130, MedGen C1142166, MONDO:0015263.

Submission:

Labcorp Genetics (formerly Invitae), Labcorp
Classification: Uncertain significance for Brugada syndrome. Last evaluated: 2023-09-21. Review status: criteria provided, single submitter. Criteria: Invitae Variant Classification Sherloc (09022015). Collection method: clinical testing. Allele origin: germline.
Comment: In summary, the available evidence is currently insufficient to determine the role of this variant in disease. Therefore, it has been classified as a Variant of Uncertain Significance. Experimental studies and prediction algorithms are not available or were not evaluated, and the functional significance of this variant is currently unknown. This variant has not been reported in the literature in individuals affected with KCNE5-related conditions. This variant is not present in population databases (gnomAD no frequency). This sequence change creates a premature translational stop signal (p.Glu5Argfs*9) in the KCNE5 gene. While this is not anticipated to result in nonsense mediated decay, it is expected to disrupt the last 138 amino acid(s) of the KCNE5 protein.

NM_012282.4(KCNE5):c.13del (p.Glu5fs)

Gene: KCNE5 (potassium voltage-gated channel subfamily E regulatory subunit 5; minus strand). Cytogenetic location: Xq23.
Variant type: Deletion.
Coding change: c.13del on transcript NM_012282.4 (MANE Select); coding-DNA position 13, one base deleted (G; older notation c.13delG).
Protein change: p.Glu5fs; shifts the reading frame from glutamic acid 5.
Molecular consequence: frameshift variant.
Genome position (GRCh38, 1-based): chrX:109,625,008, C deleted on the plus strand (G on the coding strand, the reverse complement: KCNE5 is on the minus strand). VCF-style (leftmost placement, unchanged base first): chrX-109625007-TC-T. GRCh37 (hg19) VCF-style: chrX-108868236-TC-T.
Other names: short protein forms E5fs.
Identifiers: ClinVar variation 2824314 (VCV002824314.3), dbSNP rs750566962, ClinGen allele CA10490917.
Genomic context (GRCh38, chrX:109,625,007, plus strand): 5'-TTACCCCGGTGGTGCAGCTCGAGCAACAGGCGGCTCAGAAGGGTTCGCAGCCGCTGGCTC[TC>T]GCTGCAGTTCATGGCTTTCGGGGAGTGACACGGCGGCTCCAGGACGCTGCTGACCTTTCC-3'